The following is an entry in ClinVar:

ClinVar aggregate classification (germline): Uncertain significance (1 of 4 stars; one submission).

Conditions:
Congenital muscular hypertrophy-cerebral syndrome (CDLS2). Also called: SMC1A-Related Cornelia de Lange Syndrome; Cornelia de Lange syndrome 2. Identifiers: Orphanet 199, MedGen C1802395, MONDO:0010370, OMIM 300590.

Allele frequency attached by ClinVar (database versions not stated): gnomAD exomes below 0.00001 and 0.00001; ExAC 0.00001.
gnomAD v4.1: 6 of 1,202,951 alleles (0.0005%); highest among the groups gnomAD compares: Admixed American, 0.0022%; no homozygotes.

Submission:

Labcorp Genetics (formerly Invitae), Labcorp
Classification: Uncertain significance for Congenital muscular hypertrophy-cerebral syndrome. Last evaluated: 2023-11-13. Review status: criteria provided, single submitter. Criteria: Invitae Variant Classification Sherloc (09022015). Collection method: clinical testing. Allele origin: germline.
Comment: This sequence change replaces arginine, which is basic and polar, with cysteine, which is neutral and slightly polar, at codon 255 of the SMC1A protein (p.Arg255Cys). This variant is present in population databases (rs782209409, gnomAD 0.004%). This variant has not been reported in the literature in individuals affected with SMC1A-related conditions. ClinVar contains an entry for this variant (Variation ID: 1020816). Advanced modeling of protein sequence and biophysical properties (such as structural, functional, and spatial information, amino acid conservation, physicochemical variation, residue mobility, and thermodynamic stability) performed at Invitae indicates that this missense variant is not expected to disrupt SMC1A protein function with a negative predictive value of 80%. In summary, the available evidence is currently insufficient to determine the role of this variant in disease. Therefore, it has been classified as a Variant of Uncertain Significance.

NM_006306.4(SMC1A):c.763C>T (p.Arg255Cys)

Gene: SMC1A (structural maintenance of chromosomes 1A; minus strand). Cytogenetic location: Xp11.22.
Variant type: single nucleotide variant.
Coding change: c.763C>T on transcript NM_006306.4 (MANE Select); coding-DNA position 763, C replaced by T.
Protein change: p.Arg255Cys; replaces arginine 255 with cysteine.
Molecular consequence: missense variant.
Genome position (GRCh38, 1-based): chrX:53,412,991, G>A on the plus strand (C>T on the coding strand, the complement: SMC1A is on the minus strand). VCF-style: chrX-53412991-G-A. GRCh37 (hg19) VCF-style: chrX-53439941-G-A.
Other names: c.697C>T, p.Arg233Cys (NM_001281463.1); short protein forms R233C, R255C.
Identifiers: ClinVar variation 1020816 (VCV001020816.7), dbSNP rs782209409, ClinGen allele CA10420638.